The following is an entry in ClinVar:

NM_004415.4(DSP):c.2615A>G (p.Lys872Arg)

Gene: DSP (desmoplakin; plus strand). Cytogenetic location: 6p24.3.
Variant type: single nucleotide variant.
Coding change: c.2615A>G on transcript NM_004415.4 (MANE Select); coding-DNA position 2615, A replaced by G.
Protein change: p.Lys872Arg; replaces lysine 872 with arginine.
Molecular consequence: missense variant.
Genome position (GRCh38, 1-based): chr6:7,575,473, A>G. VCF-style: chr6-7575473-A-G. GRCh37 (hg19) VCF-style: chr6-7575706-A-G.
Other names: c.2615A>G, p.Lys872Arg (NM_001008844.3, NM_001319034.2); short protein forms K872R.
Identifiers: ClinVar variation 3386647 (VCV003386647.1).

ClinVar aggregate classification (germline): Uncertain significance (1 of 4 stars; one submission).

Conditions:
Arrhythmogenic cardiomyopathy with wooly hair and keratoderma. Also called: Carvajal syndrome; PALMOPLANTAR KERATODERMA WITH LEFT VENTRICULAR CARDIOMYOPATHY AND WOOLLY HAIR; Dilated cardiomyopathy with woolly hair and keratoderma; Arrhythmogenic cardiomyopathy with woolly hair and keratoderma. Identifiers: Orphanet 65282, MedGen C1854063, MONDO:0011581, OMIM 605676.

Submission:

All of Us Research Program, National Institutes of Health
Classification: Uncertain significance for Arrhythmogenic cardiomyopathy with wooly hair and keratoderma. Last evaluated: 2024-04-16. Review status: criteria provided, single submitter. Criteria: ACMG Guidelines, 2015. Collection method: clinical testing. Allele origin: germline. Inheritance: Autosomal dominant inheritance. Observed: 1 variant allele, 1 heterozygote.
Comment: This missense variant replaces lysine with arginine at codon 872 of the DSP protein. Computational prediction suggests that this variant may not impact protein structure and function (internally defined REVEL score threshold <= 0.5, PMID: 27666373). To our knowledge, functional studies have not been reported for this variant. This variant has not been reported in individuals affected with DSP-related disorders in the literature. This variant has not been identified in the general population by the Genome Aggregation Database (gnomAD). The available evidence is insufficient to determine the role of this variant in disease conclusively. Therefore, this variant is classified as a Variant of Uncertain Significance.

This study involves interpretation of variants in research participants for the purpose of population health screening. Participant phenotype was not available at the time of variant classification. Additional details can be found in publication PMID: 35346344, PMCID: PMC8962531